The following is an entry in ClinVar:

ClinVar aggregate classification (germline): Conflicting classifications of pathogenicity. Review status: criteria provided, conflicting classifications (1 of 4 stars). 2 submissions from 2 submitters: Uncertain significance (1); Likely benign (1). Last evaluated 2023-03-23.

Conditions:
Hereditary breast ovarian cancer syndrome. Also called: Hereditary breast and ovarian cancer; Hereditary breast and/or ovarian cancer syndrome; Hereditary breast and ovarian cancer syndrome; Hereditary breast and ovarian cancer syndrome (HBOC); BRCA1- and BRCA2-Associated Hereditary Breast and Ovarian Cancer; Breast and ovarian cancer. Identifiers: Orphanet 145, MedGen C0677776, MeSH D061325, MONDO:0003582. Disease mechanism: loss of function.
Hereditary cancer-predisposing syndrome. Also called: Tumor predisposition; Hereditary neoplastic syndrome; Neoplastic Syndromes, Hereditary; Hereditary Cancer Syndrome. Identifiers: Orphanet 140162, MedGen C0027672, MeSH D009386, MONDO:0015356.

Submissions (2):

University of Washington Department of Laboratory Medicine, University of Washington
Classification: Likely benign for Hereditary cancer-predisposing syndrome. Last evaluated: 2023-03-23. Review status: criteria provided, single submitter. Criteria: Dines et al. (Genet Med. 2020). Collection method: curation. Allele origin: germline.
Comment: Missense variant in a coldspot region where missense variants are very unlikely to be pathogenic (PMID:31911673).

BRCA2 exon 11 coldspot. Reclassification based on statistical prior probability.

Labcorp Genetics (formerly Invitae), Labcorp
Classification: Uncertain significance for Hereditary breast ovarian cancer syndrome. Last evaluated: 2019-05-02. Review status: criteria provided, single submitter. Criteria: Invitae Variant Classification Sherloc (09022015). Collection method: clinical testing. Allele origin: germline.
Comment: In summary, the available evidence is currently insufficient to determine the role of this variant in disease. Therefore, it has been classified as a Variant of Uncertain Significance. Algorithms developed to predict the effect of missense changes on protein structure and function (SIFT, PolyPhen-2, Align-GVGD) all suggest that this variant is likely to be tolerated, but these predictions have not been confirmed by published functional studies and their clinical significance is uncertain. This variant has not been reported in the literature in individuals with BRCA2-related conditions. This variant is not present in population databases (ExAC no frequency). This sequence change replaces glutamic acid with aspartic acid at codon 1213 of the BRCA2 protein (p.Glu1213Asp). The glutamic acid residue is moderately conserved and there is a small physicochemical difference between glutamic acid and aspartic acid.

NM_000059.4(BRCA2):c.3639A>C (p.Glu1213Asp)

Gene: BRCA2 (BRCA2 DNA repair associated; plus strand). Cytogenetic location: 13q13.1.
Variant type: single nucleotide variant.
Coding change: c.3639A>C on transcript NM_000059.4 (MANE Select); coding-DNA position 3639, A replaced by C.
Protein change: p.Glu1213Asp; replaces glutamic acid 1213 with aspartic acid.
Molecular consequence: missense variant.
Genome position (GRCh38, 1-based): chr13:32,337,994, A>C. VCF-style: chr13-32337994-A-C. GRCh37 (hg19) VCF-style: chr13-32912131-A-C.
Other names: short protein forms E1213D.
Identifiers: ClinVar variation 950827 (VCV000950827.11), dbSNP rs1303026901, ClinGen allele CA387777930.
Genomic context (GRCh38, chr13:32,337,994, plus strand): 5'-TGGCCTGTTGAAAAATGACTGTAACAAAAGTGCTTCTGGTTATTTAACAGATGAAAATGA[A>C]GTGGGGTTTAGGGGCTTTTATTCTGCTCATGGCACAAAACTGAATGTTTCTACTGAAGCT-3'
Protein context (NP_000050.3, residues 1203-1223): SASGYLTDEN[Glu1213Asp]VGFRGFYSAH